The following is an entry in ClinVar:

ClinVar aggregate classification (germline): Conflicting classifications of pathogenicity. Review status: criteria provided, conflicting classifications (1 of 4 stars). 7 submissions from 7 submitters: Uncertain significance (3); Likely benign (2). 2 of the submissions do not count toward it. Last evaluated 2026-01-11.

Conditions:
NHLRC1-related disorder. Also called: NHLRC1-related condition.
Inborn genetic diseases. Identifiers: MedGen C0950123, MeSH D030342.
Lafora disease. Also called: Progressive Myoclonus Epilepsy, Lafora Type; Epilepsy progressive myoclonic 2. Identifiers: Orphanet 501, MedGen C0751783, MONDO:0009697.

Allele frequency attached by ClinVar (database versions not stated): ExAC 0.00024; gnomAD 0.00060 and 0.00067; 1000 Genomes Project 30x 0.00062; ESP Exome Variant Server 0.00077; 1000 Genomes Project 0.00080; TOPMed 0.00082; gnomAD exomes 0.00007 and 0.00023.
gnomAD v4.1: 196 of 1,614,144 alleles (0.012%); highest among the groups gnomAD compares: African/African-American, 0.17%; no homozygotes.

Submissions (7):

Labcorp Genetics (formerly Invitae), Labcorp
Classification: Likely benign for Lafora disease. Last evaluated: 2026-01-11. Review status: criteria provided, single submitter. Criteria: Invitae Variant Classification Sherloc (09022015). Collection method: clinical testing. Allele origin: germline.

GeneDx
Classification: Uncertain significance. Last evaluated: 2025-05-28. Review status: criteria provided, single submitter. Criteria: GeneDx Variant Classification Process June 2021. Collection method: clinical testing. Allele origin: germline. Affected: yes.
Comment: In silico analysis supports that this missense variant has a deleterious effect on protein structure/function; Has not been previously published as pathogenic or benign to our knowledge

Blueprint Genetics
Classification: Uncertain significance. Last evaluated: 2024-10-02. Review status: criteria provided, single submitter. Criteria: ACMG Guidelines, 2015. Collection method: clinical testing. Allele origin: germline.

Ambry Genetics
Classification: Uncertain significance for Inborn genetic diseases. Last evaluated: 2020-01-03. Review status: criteria provided, single submitter. Criteria: Ambry Variant Classification Scheme 2023. Collection method: clinical testing. Allele origin: germline.
Comment: The p.N227K variant (also known as c.681T>A), located in coding exon 1 of the NHLRC1 gene, results from a T to A substitution at nucleotide position 681. The asparagine at codon 227 is replaced by lysine, an amino acid with similar properties. This amino acid position is not well conserved in available vertebrate species, and lysine is the reference amino acid in other vertebrate species. In addition, this alteration is predicted to be tolerated by in silico analysis. Since supporting evidence is limited at this time, the clinical significance of this alteration remains unclear.

Institute of Human Genetics, University of Leipzig Medical Center
Classification: Likely benign for Myoclonic epilepsy of Lafora 1. Last evaluated: 2019-01-01. Review status: criteria provided, single submitter. Criteria: ACMG Guidelines, 2015. Collection method: clinical testing. Allele origin: unknown. Affected: yes.

PreventionGenetics, part of Exact Sciences
Classification: Likely benign for NHLRC1-related condition. Last evaluated: 2022-06-13. Review status: no assertion criteria provided. Collection method: clinical testing. Allele origin: germline. Not counted in ClinVar's aggregate classification.
Comment: This variant is classified as likely benign based on ACMG/AMP sequence variant interpretation guidelines (Richards et al. 2015 PMID: 25741868, with internal and published modifications).

Mayo Clinic Laboratories, Mayo Clinic
Classification: Uncertain significance. Last evaluated: 2017-04-17. Review status: no assertion criteria provided. Collection method: clinical testing. Allele origin: unknown. Not counted in ClinVar's aggregate classification.

NM_198586.3(NHLRC1):c.681T>A (p.Asn227Lys)

Gene: NHLRC1 (NHL repeat containing E3 ubiquitin protein ligase 1; minus strand). Cytogenetic location: 6p22.3.
Variant type: single nucleotide variant.
Coding change: c.681T>A on transcript NM_198586.3 (MANE Select); coding-DNA position 681, T replaced by A.
Protein change: p.Asn227Lys; replaces asparagine 227 with lysine.
Molecular consequence: missense variant.
Genome position (GRCh38, 1-based): chr6:18,121,926, A>T on the plus strand (T>A on the coding strand, the complement: NHLRC1 is on the minus strand). VCF-style: chr6-18121926-A-T. GRCh37 (hg19) VCF-style: chr6-18122157-A-T.
Other names: p.N227K:AAT>AAA; short protein forms N227K.
Identifiers: ClinVar variation 206190 (VCV000206190.25), dbSNP rs140850172, ClinGen allele CA316036.